The following is an entry in ClinVar:

ClinVar aggregate classification (germline): Uncertain significance. Review status: criteria provided, multiple submitters, no conflicts (2 of 4 stars). 3 submissions from 3 submitters: Uncertain significance (3). Last evaluated 2024-02-26.

Allele frequency attached by ClinVar (database versions not stated): ExAC 0.00002; gnomAD 0.00002 and 0.00003; gnomAD exomes 0.00002 and 0.00003; TOPMed 0.00002.
gnomAD v4.1: 45 of 1,614,122 alleles (0.0028%); highest among the groups gnomAD compares: Middle Eastern, 0.033%; no homozygotes.

Submissions (3):

Ambry Genetics
Classification: Uncertain significance. Last evaluated: 2024-02-26. Review status: criteria provided, single submitter. Criteria: Ambry Variant Classification Scheme 2023. Collection method: clinical testing. Allele origin: germline.

Labcorp Genetics (formerly Invitae), Labcorp
Classification: Uncertain significance. Last evaluated: 2022-08-10. Review status: criteria provided, single submitter. Criteria: Invitae Variant Classification Sherloc (09022015). Collection method: clinical testing. Allele origin: germline.
Comment: This sequence change replaces arginine, which is basic and polar, with tryptophan, which is neutral and slightly polar, at codon 548 of the MYH7B protein (p.Arg548Trp). This variant is present in population databases (rs747907889, gnomAD 0.006%). This variant has not been reported in the literature in individuals affected with MYH7B-related conditions. ClinVar contains an entry for this variant (Variation ID: 1485499). Algorithms developed to predict the effect of missense changes on protein structure and function (SIFT, PolyPhen-2, Align-GVGD) all suggest that this variant is likely to be disruptive. Algorithms developed to predict the effect of sequence changes on RNA splicing suggest that this variant may create or strengthen a splice site. In summary, the available evidence is currently insufficient to determine the role of this variant in disease. Therefore, it has been classified as a Variant of Uncertain Significance.

Breakthrough Genomics
Classification: Uncertain significance. Review status: criteria provided, single submitter. Criteria: ACMG Guidelines, 2015. Collection method: not provided. Allele origin: germline. Inheritance: Autosomal dominant inheritance. Affected: yes.

NM_020884.7(MYH7B):c.1516C>T (p.Arg506Trp)

Gene: MYH7B (myosin heavy chain 7B; plus strand). Cytogenetic location: 20q11.22.
Variant type: single nucleotide variant.
Coding change: c.1516C>T on transcript NM_020884.7 (MANE Select); coding-DNA position 1516, C replaced by T.
Protein change: p.Arg506Trp; replaces arginine 506 with tryptophan.
Molecular consequence: missense variant.
Genome position (GRCh38, 1-based): chr20:34,988,191, C>T. VCF-style: chr20-34988191-C-T. GRCh37 (hg19) VCF-style: chr20-33575994-C-T.
Other names: c.1642C>T (NM_020884.3); short protein forms R506W.
Identifiers: ClinVar variation 1485499 (VCV001485499.7), dbSNP rs747907889, ClinGen allele CA9826967.